The following is an entry in ClinVar:

ClinVar aggregate classification (germline): Uncertain significance (1 of 4 stars; one submission).

Conditions:
Developmental and epileptic encephalopathy, 9 (DEE9). Also called: Early infantile epileptic encephalopathy 9; EPILEPSY, FEMALE-RESTRICTED, WITH MENTAL RETARDATION; JUBERG-HELLMAN SYNDROME; PCDH19-Related X-Linked Female-Limited Epilepsy with Mental Retardation. Identifiers: Orphanet 101039, Orphanet 2076, MedGen C1848137, MONDO:0010246, OMIM 300088. Disease mechanism: loss of function.

Allele frequency attached by ClinVar (database versions not stated): gnomAD exomes below 0.00001.
gnomAD v4.1: 1 of 1,210,870 alleles (0.000083%); highest among the groups gnomAD compares: Admixed American, 0.0022%; no homozygotes.

Submission:

Labcorp Genetics (formerly Invitae), Labcorp
Classification: Uncertain significance for Developmental and epileptic encephalopathy, 9. Last evaluated: 2024-08-28. Review status: criteria provided, single submitter. Criteria: Invitae Variant Classification Sherloc (09022015). Collection method: clinical testing. Allele origin: germline.
Comment: This sequence change replaces glycine, which is neutral and non-polar, with aspartic acid, which is acidic and polar, at codon 1139 of the PCDH19 protein (p.Gly1139Asp). This variant is present in population databases (no rsID available, gnomAD 0.004%). This variant has not been reported in the literature in individuals affected with PCDH19-related conditions. Invitae Evidence Modeling of protein sequence and biophysical properties (such as structural, functional, and spatial information, amino acid conservation, physicochemical variation, residue mobility, and thermodynamic stability) indicates that this missense variant is not expected to disrupt PCDH19 protein function with a negative predictive value of 95%. In summary, the available evidence is currently insufficient to determine the role of this variant in disease. Therefore, it has been classified as a Variant of Uncertain Significance.

NM_001184880.2(PCDH19):c.3416G>A (p.Gly1139Asp)

Gene: PCDH19 (protocadherin 19; minus strand). Cytogenetic location: Xq22.1.
Variant type: single nucleotide variant.
Coding change: c.3416G>A on transcript NM_001184880.2 (MANE Select); coding-DNA position 3416, G replaced by A.
Protein change: p.Gly1139Asp; replaces glycine 1139 with aspartic acid.
Molecular consequence: missense variant.
Genome position (GRCh38, 1-based): chrX:100,296,308, C>T on the plus strand (G>A on the coding strand, the complement: PCDH19 is on the minus strand). VCF-style: chrX-100296308-C-T. GRCh37 (hg19) VCF-style: chrX-99551306-C-T.
Other names: c.3275G>A, p.Gly1092Asp (NM_001105243.2); c.3272G>A, p.Gly1091Asp (NM_020766.3); short protein forms G1092D, G1139D, G1091D.
Identifiers: ClinVar variation 2794897 (VCV002794897.3), dbSNP rs1437440935, ClinGen allele CA413999366.